The following is an entry in ClinVar:

NM_001385641.1(SAMD11):c.1176C>T (p.His392=)

Gene: SAMD11 (sterile alpha motif domain containing 11; plus strand). Cytogenetic location: 1p36.33.
Variant type: single nucleotide variant.
Coding change: c.1176C>T on transcript NM_001385641.1 (MANE Select); coding-DNA position 1176, C replaced by T.
Protein change: p.His392=; no amino-acid change (histidine 392 retained).
Molecular consequence: synonymous variant.
Genome position (GRCh38, 1-based): chr1:939,393, C>T. VCF-style: chr1-939393-C-T. GRCh37 (hg19) VCF-style: chr1-874773-C-T.
Other names: c.1179C>T, p.His393= (NM_001385640.1); c.639C>T, p.His213= (NM_152486.4).
Identifiers: ClinVar variation 4984647 (VCV004984647.1).

ClinVar aggregate classification (germline): Likely benign (1 of 4 stars; one submission).

Conditions:
SAMD11-related disorder. Also called: SAMD11-related condition.

gnomAD v4.1: 2 of 1,593,666 alleles (0.00013%); highest among the groups gnomAD compares: South Asian, 0.0011%; no homozygotes.

Submission:

PreventionGenetics, part of Exact Sciences
Classification: Likely benign for SAMD11-related condition. Last evaluated: 2026-08-04. Review status: criteria provided, single submitter. Criteria: ACMG Guidelines, 2015. Collection method: clinical testing. Allele origin: germline.
Comment: This variant is classified as likely benign based on ACMG/AMP sequence variant interpretation guidelines (Richards et al. 2015 PMID: 25741868, with internal and published modifications).